The following is an entry in ClinVar:

NM_001365536.1(SCN9A):c.116del (p.Lys39fs)

Gene: SCN9A (sodium voltage-gated channel alpha subunit 9; minus strand). Cytogenetic location: 2q24.3.
Variant type: Deletion.
Coding change: c.116del on transcript NM_001365536.1 (MANE Select); coding-DNA position 116, one base deleted (A; older notation c.116delA).
Protein change: p.Lys39fs; shifts the reading frame from lysine 39.
Molecular consequence: frameshift variant.
Genome position (GRCh38, 1-based): chr2:166,311,641, T deleted on the plus strand (A on the coding strand, the reverse complement: SCN9A is on the minus strand); the first of 4 consecutive T bases (chr2:166,311,641-166,311,644); deleting any one gives the same sequence. VCF-style (leftmost placement, unchanged base first): chr2-166311640-CT-C. GRCh37 (hg19) VCF-style: chr2-167168150-CT-C.
Other names: c.113delA, p.Lys39Argfs (NM_002977.4); short protein forms K39fs.
Identifiers: ClinVar variation 1075008 (VCV001075008.2), dbSNP rs2105226927, ClinGen allele CA2499215228.

ClinVar aggregate classification (germline): Pathogenic (1 of 4 stars; one submission).

Conditions:
Generalized epilepsy with febrile seizures plus, type 7 (GEFSP7). Also called: GEFS+, TYPE 7. Identifiers: Orphanet 36387, MedGen C2751778, MONDO:0013470, OMIM 613863.
Neuropathy, hereditary sensory and autonomic, type 2A (HSAN2A). Also called: WNK1-Related HSAN2 (HSAN2A); HSAN IIA; NEUROPATHY, HEREDITARY SENSORY, TYPE IIA; NEUROPATHY, PROGRESSIVE SENSORY, OF CHILDREN; MORVAN DISEASE; NEUROPATHY, CONGENITAL SENSORY. Identifiers: Orphanet 970, MedGen C2752089, MONDO:0024309, OMIM 201300.

Submission:

Labcorp Genetics (formerly Invitae), Labcorp
Classification: Pathogenic for Neuropathy, hereditary sensory and autonomic, type 2A; Generalized epilepsy with febrile seizures plus, type 7. Last evaluated: 2020-05-06. Review status: criteria provided, single submitter. Criteria: Invitae Variant Classification Sherloc (09022015). Collection method: clinical testing. Allele origin: germline.
Comment: This sequence change creates a premature translational stop signal (p.Lys39Argfs*51) in the SCN9A gene. It is expected to result in an absent or disrupted protein product. This variant is not present in population databases (ExAC no frequency). This variant has not been reported in the literature in individuals with SCN9A-related conditions. Loss-of-function variants in SCN9A are known to be pathogenic (PMID: 17470132, 19304393). For these reasons, this variant has been classified as Pathogenic.

Literature cited by the submitters: PubMed 17470132; PubMed 19304393.